The following is an entry in ClinVar:

ClinVar aggregate classification (germline): Uncertain significance. Review status: criteria provided, multiple submitters, no conflicts (2 of 4 stars). 2 submissions from 2 submitters: Uncertain significance (2). Last evaluated 2025-10-24.

Conditions:
Inborn genetic diseases. Identifiers: MedGen C0950123, MeSH D030342.

gnomAD v4.1: 16 of 1,565,388 alleles (0.001%); highest among the groups gnomAD compares: Middle Eastern, 0.17%; no homozygotes.

Submissions (2):

Ambry Genetics
Classification: Uncertain significance for Inborn genetic diseases. Last evaluated: 2025-10-24. Review status: criteria provided, single submitter. Criteria: Ambry Variant Classification Scheme 2023. Collection method: clinical testing. Allele origin: germline.

GeneDx
Classification: Uncertain significance. Last evaluated: 2025-02-25. Review status: criteria provided, single submitter. Criteria: GeneDx Variant Classification Process June 2021. Collection method: clinical testing. Allele origin: germline. Affected: yes.
Comment: In silico analysis supports that this missense variant has a deleterious effect on protein structure/function; Has not been previously published as pathogenic or benign to our knowledge

NM_001378609.3(OTOGL):c.2435G>A (p.Gly812Glu)

Gene: OTOGL (otogelin like; plus strand). Cytogenetic location: 12q21.31.
Variant type: single nucleotide variant.
Coding change: c.2435G>A on transcript NM_001378609.3 (MANE Select); coding-DNA position 2435, G replaced by A.
Protein change: p.Gly812Glu; replaces glycine 812 with glutamic acid.
Molecular consequence: missense variant.
Genome position (GRCh38, 1-based): chr12:80,267,297, G>A. VCF-style: chr12-80267297-G-A. GRCh37 (hg19) VCF-style: chr12-80661077-G-A.
Other names: c.2435G>A, p.Gly812Glu (NM_001368062.3, NM_001378610.3, NM_173591.7); short protein forms G812E.
Identifiers: ClinVar variation 4076736 (VCV004076736.2).